The following is an entry in ClinVar:

ClinVar aggregate classification (germline): Uncertain significance (1 of 4 stars; one submission).

Submission:

Labcorp Genetics (formerly Invitae), Labcorp
Classification: Uncertain significance. Last evaluated: 2022-09-02. Review status: criteria provided, single submitter. Criteria: Invitae Variant Classification Sherloc (09022015). Collection method: clinical testing. Allele origin: germline.
Comment: In summary, the available evidence is currently insufficient to determine the role of this variant in disease. Therefore, it has been classified as a Variant of Uncertain Significance. Experimental studies and prediction algorithms are not available or were not evaluated, and the functional significance of this variant is currently unknown. This variant has not been reported in the literature in individuals affected with ARHGEF1-related conditions. This variant results in a copy number gain of the genomic region encompassing exon(s) 1-14 of the ARHGEF1 gene. This region includes the initiator codon of the gene. This copy number gain extends beyond the assayed region for this gene and therefore may encompass additional genes. As the precise location of this event is unknown, it may be in tandem or it may be located elsewhere in the genome.

NC_000019.9:g.(?_42388535)_(42402756_?)dup

Gene: ARHGEF1 (Rho guanine nucleotide exchange factor 1; plus strand). Cytogenetic location: 19q13.2.
Variant type: Duplication.
Identifiers: ClinVar variation 2427664 (VCV002427664.4).